The following is an entry in ClinVar:

NM_001330260.2(SCN8A):c.5879G>A (p.Arg1960Gln)

Gene: SCN8A (sodium voltage-gated channel alpha subunit 8; plus strand). Cytogenetic location: 12q13.13.
Variant type: single nucleotide variant.
Coding change: c.5879G>A on transcript NM_001330260.2 (MANE Select); coding-DNA position 5879, G replaced by A.
Protein change: p.Arg1960Gln; replaces arginine 1960 with glutamine.
Molecular consequence: missense variant.
Genome position (GRCh38, 1-based): chr12:51,807,365, G>A. VCF-style: chr12-51807365-G-A. GRCh37 (hg19) VCF-style: chr12-52201149-G-A.
Other names: p.R1960Q:CGG>CAG; c.5756G>A, p.Arg1919Gln (NM_001177984.3, NM_001369788.1); c.5879G>A, p.Arg1960Gln (NM_014191.4); short protein forms R1960Q, R1919Q.
Identifiers: ClinVar variation 207136 (VCV000207136.62), dbSNP rs369346315, ClinGen allele CA318309.
Genomic context (GRCh38, chr12:51,807,365, plus strand): 5'-CTACAGCCTCCCTCCCGTCCTATGACAGTGTAACTAAACCTGAAAAGGAGAAACAGCAGC[G>A]GGCAGAGGAAGGAAGAAGGGAAAGAGCCAAAAGACAAAAAGAGGTCAGAGAATCCAAGTG-3'
Protein context (NP_001317189.1, residues 1950-1970): VTKPEKEKQQ[Arg1960Gln]AEEGRRERAK

ClinVar aggregate classification (germline): Conflicting classifications of pathogenicity. Review status: criteria provided, conflicting classifications (1 of 4 stars). 7 submissions from 7 submitters: Uncertain significance (4); Benign (1); Likely benign (2). Last evaluated 2026-01-12.

Conditions:
Early-infantile DEE. Also called: Early infantile epileptic encephalopathy with suppression bursts; Early infantile epileptic encephalopathy; Ohtahara syndrome. Identifiers: Orphanet 1934, MedGen C0393706, MONDO:0800491.
Inborn genetic diseases. Identifiers: MedGen C0950123, MeSH D030342.
Developmental and epileptic encephalopathy, 13 (DEE13). Also called: SCN8A-Related Epilepsy; Developmental and Epileptic Encephalopathy (SCN8A-DEE); Early infantile epileptic encephalopathy 13. Identifiers: Orphanet 442835, MedGen C3281191, MONDO:0013801, OMIM 614558.

Allele frequency attached by ClinVar (database versions not stated): ESP Exome Variant Server 0.00008; gnomAD 0.00006; TOPMed 0.00007; gnomAD exomes 0.00003.
gnomAD v4.1: 117 of 1,613,468 alleles (0.0073%); highest among the groups gnomAD compares: Middle Eastern, 0.099%; no homozygotes.

Submissions (7):

Labcorp Genetics (formerly Invitae), Labcorp
Classification: Likely benign for Early-infantile DEE. Last evaluated: 2026-01-12. Review status: criteria provided, single submitter. Criteria: Invitae Variant Classification Sherloc (09022015). Collection method: clinical testing. Allele origin: germline.

CeGaT Center for Human Genetics Tuebingen
Classification: Uncertain significance. Last evaluated: 2024-11-01. Review status: criteria provided, single submitter. Criteria: CeGaT Center For Human Genetics Tuebingen Variant Classification Criteria Version 2. Collection method: clinical testing. Allele origin: germline. Affected: yes. Observed: 3 variant alleles.
Comment: SCN8A: PP2

Revvity Omics, Revvity
Classification: Uncertain significance. Last evaluated: 2022-07-27. Review status: criteria provided, single submitter. Criteria: ACMG Guidelines, 2015. Collection method: clinical testing. Allele origin: germline.

GeneDx
Classification: Likely benign. Last evaluated: 2019-07-31. Review status: criteria provided, single submitter. Criteria: GeneDx Variant Classification Process June 2021. Collection method: clinical testing. Allele origin: germline. Affected: yes.
Comment: This variant is associated with the following publications: (PMID: 27875746)

Centre for Mendelian Genomics, University Medical Centre Ljubljana
Classification: Benign for Developmental and epileptic encephalopathy, 13. Last evaluated: 2019-03-08. Review status: criteria provided, single submitter. Criteria: ACMG Guidelines, 2015. Collection method: clinical testing. Allele origin: unknown. Affected: yes.
Comment: This variant was classified as: Benign. The following ACMG criteria were applied in classifying this variant: BS1,BS2.

Ambry Genetics
Classification: Uncertain significance for Inborn genetic diseases. Last evaluated: 2017-05-25. Review status: criteria provided, single submitter. Criteria: Ambry Variant Classification Scheme 2023. Collection method: clinical testing. Allele origin: germline.
Comment: The p.R1960Q variant (also known as c.5879G>A), located in coding exon 26 of the SCN8A gene, results from a G to A substitution at nucleotide position 5879. The arginine at codon 1960 is replaced by glutamine, an amino acid with highly similar properties. This amino acid position is well conserved in available vertebrate species. In addition, the in silico prediction for this alteration is inconclusive. Since supporting evidence is limited at this time, the clinical significance of this alteration remains unclear.

Eurofins Ntd Llc (ga)
Classification: Uncertain significance. Last evaluated: 2016-08-01. Review status: criteria provided, single submitter. Criteria: EGL Classification Definitions 2015. Collection method: clinical testing. Allele origin: germline. Observed: 1 variant allele, 1 heterozygote.